The following is an entry in ClinVar:

NM_002080.4(GOT2):c.351C>T (p.Asn117=)

Gene: GOT2 (glutamic-oxaloacetic transaminase 2; minus strand). Cytogenetic location: 16q21.
Variant type: single nucleotide variant.
Coding change: c.351C>T on transcript NM_002080.4 (MANE Select); coding-DNA position 351, C replaced by T.
Protein change: p.Asn117=; no amino-acid change (asparagine 117 retained).
Molecular consequence: synonymous variant. On other transcripts: intron variant (1).
Genome position (GRCh38, 1-based): chr16:58,722,174, G>A on the plus strand (C>T on the coding strand, the complement: GOT2 is on the minus strand). VCF-style: chr16-58722174-G-A. GRCh37 (hg19) VCF-style: chr16-58756078-G-A.
Other names: c.246+1572C>T (NM_001286220.2).
Identifiers: ClinVar variation 1599384 (VCV001599384.31), dbSNP rs150842866, ClinGen allele CA8091083.

ClinVar aggregate classification (germline): Benign/Likely benign. Review status: criteria provided, multiple submitters, no conflicts (2 of 4 stars). 3 submissions from 3 submitters: Benign (1); Likely benign (2). Last evaluated 2026-03-01.

Allele frequency attached by ClinVar (database versions not stated): gnomAD exomes 0.00033; ExAC 0.00045; ESP Exome Variant Server 0.00131; gnomAD 0.00143 and 0.00151; 1000 Genomes Project 0.00180; TOPMed 0.00184; 1000 Genomes Project 30x 0.00219.
gnomAD v4.1: 388 of 1,612,232 alleles (0.024%); highest among the groups gnomAD compares: African/African-American, 0.42%; 1 homozygote.

Submissions (3):

CeGaT Center for Human Genetics Tuebingen
Classification: Likely benign. Last evaluated: 2026-03-01. Review status: criteria provided, single submitter. Criteria: CeGaT Center For Human Genetics Tuebingen Variant Classification Criteria Version 2. Collection method: clinical testing. Allele origin: germline. Affected: yes. Observed: 3 variant alleles.
Comment: GOT2: BP4, BP7

Labcorp Genetics (formerly Invitae), Labcorp
Classification: Benign. Last evaluated: 2025-11-23. Review status: criteria provided, single submitter. Criteria: Invitae Variant Classification Sherloc (09022015). Collection method: clinical testing. Allele origin: germline.

Blueprint Genetics
Classification: Likely benign. Last evaluated: 2024-05-28. Review status: criteria provided, single submitter. Criteria: ACMG Guidelines, 2015. Collection method: clinical testing. Allele origin: germline.